The following is an entry in ClinVar:

ClinVar aggregate classification (germline): Likely benign (1 of 4 stars; one submission).

Allele frequency attached by ClinVar (database versions not stated): ExAC 0.00007; gnomAD exomes 0.00004; gnomAD 0.00001; TOPMed 0.00003.
gnomAD v4.1: 12 of 1,613,422 alleles (0.00074%); highest among the groups gnomAD compares: Admixed American, 0.013%; no homozygotes.

Submission:

GeneDx
Classification: Likely benign. Last evaluated: 2017-12-18. Review status: criteria provided, single submitter. Criteria: GeneDx Variant Classification (06012015). Collection method: clinical testing. Allele origin: germline. Affected: yes.
Comment: This variant is considered likely benign or benign based on one or more of the following criteria: it is a conservative change, it occurs at a poorly conserved position in the protein, it is predicted to be benign by multiple in silico algorithms, and/or has population frequency not consistent with disease.

NM_016065.4(MRPS16):c.21C>T (p.Leu7=)

Genes: MRPS16 (mitochondrial ribosomal protein S16; minus strand), DNAJC9-AS1 (DNAJC9 and MRPS16 antisense RNA 1; plus strand). Cytogenetic location: 10q22.2.
Variant type: single nucleotide variant.
Coding change: c.21C>T on transcript NM_016065.4 (MANE Select); coding-DNA position 21, C replaced by T.
Protein change: p.Leu7=; no amino-acid change (leucine 7 retained).
Molecular consequence: synonymous variant.
Genome position (GRCh38, 1-based): chr10:73,252,016, G>A on the plus strand (C>T on the coding strand, the complement: MRPS16 is on the minus strand). VCF-style: chr10-73252016-G-A. GRCh37 (hg19) VCF-style: chr10-75011774-G-A.
Identifiers: ClinVar variation 513593 (VCV000513593.1), dbSNP rs748879108, ClinGen allele CA5553436.